The following is an entry in ClinVar:

ClinVar aggregate classification (germline): Pathogenic. Review status: criteria provided, multiple submitters, no conflicts (2 of 4 stars). 2 submissions from 2 submitters: Pathogenic (2). Last evaluated 2023-10-28.

Conditions:
Gorlin syndrome. Also called: Nevoid Basal Cell Carcinoma Syndrome; Basal cell nevus syndrome. Identifiers: Orphanet 377, MedGen C0004779, MONDO:0007187.

Submissions (2):

Labcorp Genetics (formerly Invitae), Labcorp
Classification: Pathogenic for Gorlin syndrome. Last evaluated: 2023-10-28. Review status: criteria provided, single submitter. Criteria: Invitae Variant Classification Sherloc (09022015). Collection method: clinical testing. Allele origin: germline.
Comment: This sequence change creates a premature translational stop signal (p.Lys838Serfs*64) in the PTCH1 gene. It is expected to result in an absent or disrupted protein product. Loss-of-function variants in PTCH1 are known to be pathogenic (PMID: 16301862, 16419085). This variant is not present in population databases (gnomAD no frequency). This variant has not been reported in the literature in individuals affected with PTCH1-related conditions. ClinVar contains an entry for this variant (Variation ID: 639027). For these reasons, this variant has been classified as Pathogenic.

Mendelics
Classification: Pathogenic for Basal cell nevus syndrome 1. Last evaluated: 2019-05-28. Review status: criteria provided, single submitter. Criteria: Mendelics Assertion Criteria 2017. Collection method: clinical testing. Allele origin: unknown.

Literature cited by the submitters: PubMed 16301862 (cited by Labcorp Genetics (formerly Invitae), Labcorp); PubMed 16419085 (cited by Labcorp Genetics (formerly Invitae), Labcorp).

NM_000264.5(PTCH1):c.2513_2516del (p.Lys838fs)

Genes: PTCH1 (patched 1; minus strand), LOC100507346 (uncharacterized LOC100507346; plus strand). Cytogenetic location: 9q22.32.
Variant type: Microsatellite.
Coding change: c.2513_2516del on transcript NM_000264.5 (MANE Select); coding-DNA positions 2513 to 2516, 4 bases deleted (AACA; older notation c.2513_2516delAACA).
Protein change: p.Lys838fs; shifts the reading frame from lysine 838.
Molecular consequence: frameshift variant. On other transcripts: non-coding transcript variant (2).
Genome position (GRCh38, 1-based): chr9:95,467,160-95,467,163, TGTT deleted on the plus strand (AACA on the coding strand, the reverse complement: PTCH1 is on the minus strand); deleting any 4 consecutive bases within chr9:95,467,160-95,467,168 gives the same sequence; the c. name uses the placement nearest the transcript's 3' end. VCF-style (leftmost placement, unchanged base first): chr9-95467159-CTGTT-C. GRCh37 (hg19) VCF-style: chr9-98229441-CTGTT-C.
Other names: c.2315_2318del, p.Lys772fs (NM_001083602.3); c.2510_2513del, p.Lys837fs (NM_001083603.3); c.2060_2063del, p.Lys687fs (NM_001083604.3, NM_001083605.3, NM_001083606.3 and 1 more transcripts); c.2357_2360del, p.Lys786fs (NM_001354918.2); short protein forms K687fs, K772fs, K786fs, K838fs, K837fs.
Identifiers: ClinVar variation 639027 (VCV000639027.8), dbSNP rs1588568477, ClinGen allele CA915947045.